The following is an entry in ClinVar:

NM_015909.4(NBAS):c.368G>A (p.Gly123Glu)

Gene: NBAS (NBAS subunit of NRZ tethering complex; minus strand). Cytogenetic location: 2p24.3.
Variant type: single nucleotide variant.
Coding change: c.368G>A on transcript NM_015909.4 (MANE Select); coding-DNA position 368, G replaced by A.
Protein change: p.Gly123Glu; replaces glycine 123 with glutamic acid.
Molecular consequence: missense variant. On other transcripts: non-coding transcript variant (1).
Genome position (GRCh38, 1-based): chr2:15,551,504, C>T on the plus strand (G>A on the coding strand, the complement: NBAS is on the minus strand). VCF-style: chr2-15551504-C-T. GRCh37 (hg19) VCF-style: chr2-15691628-C-T.
Other names: short protein forms G123E.
Identifiers: ClinVar variation 1717506 (VCV001717506.5), dbSNP rs2528008663, ClinGen allele CA345892479.

ClinVar aggregate classification (germline): Uncertain significance (1 of 4 stars; one submission).

Allele frequency attached by ClinVar (database versions not stated): gnomAD exomes below 0.00001.
gnomAD v4.1: 5 of 1,608,204 alleles (0.00031%); highest among the groups gnomAD compares: Non-Finnish European, 0.00042%; no homozygotes.

Submission:

Labcorp Genetics (formerly Invitae), Labcorp
Classification: Uncertain significance. Last evaluated: 2022-08-21. Review status: criteria provided, single submitter. Criteria: Invitae Variant Classification Sherloc (09022015). Collection method: clinical testing. Allele origin: germline.
Comment: This sequence change replaces glycine, which is neutral and non-polar, with glutamic acid, which is acidic and polar, at codon 123 of the NBAS protein (p.Gly123Glu). In summary, the available evidence is currently insufficient to determine the role of this variant in disease. Therefore, it has been classified as a Variant of Uncertain Significance. Algorithms developed to predict the effect of missense changes on protein structure and function (SIFT, PolyPhen-2, Align-GVGD) all suggest that this variant is likely to be disruptive. This variant has not been reported in the literature in individuals affected with NBAS-related conditions. This variant is not present in population databases (gnomAD no frequency).